The following is an entry in ClinVar:

ClinVar aggregate classification (germline): Uncertain significance. Review status: criteria provided, multiple submitters, no conflicts (2 of 4 stars). 2 submissions from 2 submitters: Uncertain significance (2). Last evaluated 2025-04-23.

Allele frequency attached by ClinVar (database versions not stated): gnomAD 0.00001; ExAC 0.00002; gnomAD exomes 0.00002; TOPMed 0.00003; ESP Exome Variant Server 0.00008.
gnomAD v4.1: 33 of 1,613,986 alleles (0.002%); highest among the groups gnomAD compares: Non-Finnish European, 0.0027%; no homozygotes.

Submissions (2):

Labcorp Genetics (formerly Invitae), Labcorp
Classification: Uncertain significance. Last evaluated: 2025-04-23. Review status: criteria provided, single submitter. Criteria: Invitae Variant Classification Sherloc (09022015). Collection method: clinical testing. Allele origin: germline.
Comment: This sequence change replaces valine, which is neutral and non-polar, with alanine, which is neutral and non-polar, at codon 392 of the A2ML1 protein (p.Val392Ala). This variant is present in population databases (rs78584364, gnomAD 0.003%). This variant has not been reported in the literature in individuals affected with A2ML1-related conditions. ClinVar contains an entry for this variant (Variation ID: 1425493). An algorithm developed to predict the effect of missense changes on protein structure and function (PolyPhen-2) suggests that this variant is likely to be tolerated. In summary, the available evidence is currently insufficient to determine the role of this variant in disease. Therefore, it has been classified as a Variant of Uncertain Significance.

Ambry Genetics
Classification: Uncertain significance. Last evaluated: 2024-04-27. Review status: criteria provided, single submitter. Criteria: Ambry Variant Classification Scheme 2023. Collection method: clinical testing. Allele origin: germline.
Comment: The p.V392A variant (also known as c.1175T>C), located in coding exon 11 of the A2ML1 gene, results from a T to C substitution at nucleotide position 1175. The valine at codon 392 is replaced by alanine, an amino acid with similar properties. This amino acid position is conserved. In addition, this alteration is predicted to be tolerated by in silico analysis. Based on the available evidence, the clinical significance of this variant remains unclear.

NM_144670.6(A2ML1):c.1175T>C (p.Val392Ala)

Gene: A2ML1 (alpha-2-macroglobulin like 1; plus strand). Cytogenetic location: 12p13.31.
Variant type: single nucleotide variant.
Coding change: c.1175T>C on transcript NM_144670.6 (MANE Select); coding-DNA position 1175, T replaced by C.
Protein change: p.Val392Ala; replaces valine 392 with alanine.
Molecular consequence: missense variant.
Genome position (GRCh38, 1-based): chr12:8,841,463, T>C. VCF-style: chr12-8841463-T-C. GRCh37 (hg19) VCF-style: chr12-8994059-T-C.
Other names: c.1175T>C (NM_144670.3); short protein forms V392A.
Identifiers: ClinVar variation 1425493 (VCV001425493.9), dbSNP rs78584364, ClinGen allele CA6435557.